The following is an entry in ClinVar:

ClinVar aggregate classification (germline): Uncertain significance (1 of 4 stars; one submission).

Conditions:
Rubinstein-Taybi syndrome (RSTS). Identifiers: Orphanet 783, MedGen C0035934, MONDO:0019188.

Submission:

Labcorp Genetics (formerly Invitae), Labcorp
Classification: Uncertain significance for Rubinstein-Taybi syndrome. Last evaluated: 2023-04-06. Review status: criteria provided, single submitter. Criteria: Invitae Variant Classification Sherloc (09022015). Collection method: clinical testing. Allele origin: germline.
Comment: Advanced modeling of protein sequence and biophysical properties (such as structural, functional, and spatial information, amino acid conservation, physicochemical variation, residue mobility, and thermodynamic stability) performed at Invitae indicates that this missense variant is not expected to disrupt CREBBP protein function. This sequence change replaces threonine, which is neutral and polar, with serine, which is neutral and polar, at codon 320 of the CREBBP protein (p.Thr320Ser). This variant is not present in population databases (gnomAD no frequency). This variant has not been reported in the literature in individuals affected with CREBBP-related conditions. In summary, the available evidence is currently insufficient to determine the role of this variant in disease. Therefore, it has been classified as a Variant of Uncertain Significance.

NM_004380.3(CREBBP):c.959C>G (p.Thr320Ser)

Gene: CREBBP (CREB binding lysine acetyltransferase; minus strand). Cytogenetic location: 16p13.3.
Variant type: single nucleotide variant.
Coding change: c.959C>G on transcript NM_004380.3 (MANE Select); coding-DNA position 959, C replaced by G.
Protein change: p.Thr320Ser; replaces threonine 320 with serine.
Molecular consequence: missense variant.
Genome position (GRCh38, 1-based): chr16:3,810,619, G>C on the plus strand (C>G on the coding strand, the complement: CREBBP is on the minus strand). VCF-style: chr16-3810619-G-C. GRCh37 (hg19) VCF-style: chr16-3860620-G-C.
Other names: c.959C>G, p.Thr320Ser (NM_001079846.1); short protein forms T320S.
Identifiers: ClinVar variation 2876990 (VCV002876990.3), dbSNP rs1449645780, ClinGen allele CA394565866.